The following is an entry in ClinVar:

NM_001040142.2(SCN2A):c.1919T>C (p.Met640Thr)

Gene: SCN2A (sodium voltage-gated channel alpha subunit 2; plus strand). Cytogenetic location: 2q24.3.
Variant type: single nucleotide variant.
Coding change: c.1919T>C on transcript NM_001040142.2 (MANE Select); coding-DNA position 1919, T replaced by C.
Protein change: p.Met640Thr; replaces methionine 640 with threonine.
Molecular consequence: missense variant.
Genome position (GRCh38, 1-based): chr2:165,323,403, T>C. VCF-style: chr2-165323403-T-C. GRCh37 (hg19) VCF-style: chr2-166179913-T-C.
Other names: c.1919T>C, p.Met640Thr (NM_001040143.2, NM_001371246.1, NM_001371247.1 and 1 more transcripts); short protein forms M640T.
Identifiers: ClinVar variation 570051 (VCV000570051.11), dbSNP rs1559362618, ClinGen allele CA349027448.

ClinVar aggregate classification (germline): Uncertain significance. Review status: criteria provided, multiple submitters, no conflicts (2 of 4 stars). 2 submissions from 2 submitters: Uncertain significance (2). Last evaluated 2023-10-19.

Conditions:
Seizures, benign familial infantile, 3 (BFIS3). Also called: Familial neonatal seizures; CONVULSIONS, BENIGN FAMILIAL INFANTILE, 3. Identifiers: Orphanet 140927, Orphanet 306, MedGen C1843140, MONDO:0011904, OMIM 607745.
Developmental and epileptic encephalopathy, 11 (DEE11). Also called: Early infantile epileptic encephalopathy 11. Identifiers: Orphanet 1934, MedGen C3150987, MONDO:0013388, OMIM 613721.

Allele frequency attached by ClinVar (database versions not stated): gnomAD exomes below 0.00001.
gnomAD v4.1: 2 of 1,614,110 alleles (0.00012%); highest among the groups gnomAD compares: Non-Finnish European, 0.00017%; no homozygotes.

Submissions (2):

GeneDx
Classification: Uncertain significance. Last evaluated: 2023-10-19. Review status: criteria provided, single submitter. Criteria: GeneDx Variant Classification Process June 2021. Collection method: clinical testing. Allele origin: germline. Affected: yes.
Comment: Not observed in large population cohorts (gnomAD); Missense variants in this gene are often considered pathogenic (HGMD); This substitution is predicted to be in the cytoplasmic loop between the first and second homologous domains; In silico analysis supports that this missense variant does not alter protein structure/function; Has not been previously published as pathogenic or benign to our knowledge

Labcorp Genetics (formerly Invitae), Labcorp
Classification: Uncertain significance for Seizures, benign familial infantile, 3; Developmental and epileptic encephalopathy, 11. Last evaluated: 2018-07-22. Review status: criteria provided, single submitter. Criteria: Invitae Variant Classification Sherloc (09022015). Collection method: clinical testing. Allele origin: germline.
Comment: This sequence change replaces methionine with threonine at codon 640 of the SCN2A protein (p.Met640Thr). The methionine residue is moderately conserved and there is a moderate physicochemical difference between methionine and threonine. This variant is not present in population databases (ExAC no frequency). This variant has not been reported in the literature in individuals with SCN2A-related disease. Algorithms developed to predict the effect of missense changes on protein structure and function (SIFT, PolyPhen-2, Align-GVGD) all suggest that this variant is likely to be tolerated, but these predictions have not been confirmed by published functional studies and their clinical significance is uncertain. In summary, the available evidence is currently insufficient to determine the role of this variant in disease. Therefore, it has been classified as a Variant of Uncertain Significance.